The following is an entry in ClinVar:

ClinVar aggregate classification (germline): Uncertain significance (1 of 4 stars; one submission).

Conditions:
Spinocerebellar ataxia type 6 (SCA6). Identifiers: Orphanet 98758, MedGen C0752124, MONDO:0008457, OMIM 183086.
Migraine, familial hemiplegic, 1. Also called: MIGRAINE, FAMILIAL HEMIPLEGIC 1, WITH PROGRESSIVE CEREBELLAR ATAXIA. Identifiers: Orphanet 569, MedGen C1832884, MONDO:0020756, OMIM 141500, MONDO:0007714.
Episodic ataxia type 2 (EA2). Also called: ATAXIA, EPISODIC, WITH NYSTAGMUS; ATAXIA, FAMILIAL PAROXYSMAL; CEREBELLAR ATAXIA, PAROXYSMAL, ACETAZOLAMIDE-RESPONSIVE; CEREBELLOPATHY, HEREDITARY PAROXYSMAL; ACETAZOLAMIDE-RESPONSIVE HEREDITARY PAROXYSMAL CEREBELLAR ATAXIA; EPISODIC ATAXIA, NYSTAGMUS-ASSOCIATED. Identifiers: Orphanet 97, MedGen C1720416, MONDO:0007163, OMIM 108500.
Developmental and epileptic encephalopathy, 42 (DEE42A). Also called: DEVELOPMENTAL AND EPILEPTIC ENCEPHALOPATHY 42A; EPILEPTIC ENCEPHALOPATHY, EARLY INFANTILE, 42A; Epileptic encephalopathy, early infantile, 42. Identifiers: MedGen C4310716, MONDO:0014917, OMIM 617106.

Submission:

Juno Genomics, Hangzhou Juno Genomics, Inc
Classification: Uncertain significance for Developmental and epileptic encephalopathy, 42; Episodic ataxia type 2; Migraine, familial hemiplegic, 1; Spinocerebellar ataxia type 6. Review status: criteria provided, single submitter. Criteria: ACMG Guidelines, 2015. Collection method: clinical testing. Allele origin: germline.
Comment: Null variant in a gene where loss of function (LOF) is a known mechanism of disease.;Absent from controls (or at extremely low frequency if recessive) in Genome Aggregation Database.

NM_001127222.2(CACNA1A):c.7426_7436del (p.Tyr2476fs)

Gene: CACNA1A (calcium voltage-gated channel subunit alpha1 A; minus strand). Cytogenetic location: 19p13.13.
Variant type: Deletion.
Coding change: c.7426_7436del on transcript NM_001127222.2 (MANE Select); coding-DNA positions 7426 to 7436, 11 bases deleted (TACTACCCGGC).
Protein change: p.Tyr2476fs; shifts the reading frame from tyrosine 2476.
Molecular consequence: frameshift variant. On other transcripts: 3 prime UTR variant (3).
Genome position (GRCh38, 1-based): chr19:13,207,398-13,207,408, GCCGGGTAGTA deleted on the plus strand (TACTACCCGGC on the coding strand, the reverse complement: CACNA1A is on the minus strand); deleting any 11 consecutive bases within chr19:13,207,398-13,207,412 gives the same sequence; the c. name uses the placement nearest the transcript's 3' end. VCF-style (leftmost placement, unchanged base first): chr19-13207397-CGCCGGGTAGTA-C. GRCh37 (hg19) VCF-style: chr19-13318211-CGCCGGGTAGTA-C.
Other names: c.*638_*648del (NM_000068.4, NM_001127221.2, NM_001174080.2); c.7444_7454del, p.Tyr2482fs (NM_023035.3); short protein forms Y2482fs, Y2476fs.
Identifiers: ClinVar variation 5005934 (VCV005005934.2).
Genomic context (GRCh38, chr19:13,207,397, plus strand): 5'-GCTGTAGGGTTCGTGCAGGCCCTTCCTGGAGCCCGGCCCGCGGGGCCTGGCCAGTCCGTG[CGCCGGGTAGTA>C]GCCGTTGGGGAGTCGCCGGCCGTGCCGAGAAGGCGAGGCGCAGGCCGGGCCCGAGGCCCG-3'